The following is an entry in ClinVar:

NM_004168.4(SDHA):c.1237A>G (p.Ile413Val)

Gene: SDHA (succinate dehydrogenase complex flavoprotein subunit A; plus strand). Cytogenetic location: 5p15.33.
Variant type: single nucleotide variant.
Coding change: c.1237A>G on transcript NM_004168.4 (MANE Select); coding-DNA position 1237, A replaced by G.
Protein change: p.Ile413Val; replaces isoleucine 413 with valine.
Molecular consequence: missense variant.
Genome position (GRCh38, 1-based): chr5:235,316, A>G. VCF-style: chr5-235316-A-G. GRCh37 (hg19) VCF-style: chr5-235431-A-G.
Other names: c.1093A>G, p.Ile365Val (NM_001294332.2); c.1237A>G, p.Ile413Val (NM_001330758.2); short protein forms I365V, I413V.
Identifiers: ClinVar variation 4547001 (VCV004547001.1).

ClinVar aggregate classification (germline): Uncertain significance (1 of 4 stars; one submission).

Conditions:
Hereditary cancer-predisposing syndrome. Also called: Tumor predisposition; Hereditary Cancer Syndrome; Hereditary neoplastic syndrome; Neoplastic Syndromes, Hereditary. Identifiers: Orphanet 140162, MedGen C0027672, MeSH D009386, MONDO:0015356.

Submission:

Ambry Genetics
Classification: Uncertain significance for Hereditary cancer-predisposing syndrome. Last evaluated: 2025-11-17. Review status: criteria provided, single submitter. Criteria: Ambry Variant Classification Scheme 2023. Collection method: clinical testing. Allele origin: germline.
Comment: The p.I413V variant (also known as c.1237A>G), located in coding exon 9 of the SDHA gene, results from an A to G substitution at nucleotide position 1237. The isoleucine at codon 413 is replaced by valine, an amino acid with highly similar properties. This amino acid position is conserved. In addition, this alteration is predicted to be tolerated by in silico analysis. Based on the available evidence, the clinical significance of this variant remains unclear.